The following is an entry in ClinVar:

ClinVar aggregate classification (germline): Uncertain significance (1 of 4 stars; one submission).

Submission:

Labcorp Genetics (formerly Invitae), Labcorp
Classification: Uncertain significance. Last evaluated: 2024-10-10. Review status: criteria provided, single submitter. Criteria: Invitae Variant Classification Sherloc (09022015). Collection method: clinical testing. Allele origin: germline.
Comment: This sequence change replaces glutamic acid, which is acidic and polar, with valine, which is neutral and non-polar, at codon 517 of the NEXMIF protein (p.Glu517Val). This variant is not present in population databases (gnomAD no frequency). This variant has not been reported in the literature in individuals affected with NEXMIF-related conditions. An algorithm developed to predict the effect of missense changes on protein structure and function (PolyPhen-2) suggests that this variant is likely to be disruptive. In summary, the available evidence is currently insufficient to determine the role of this variant in disease. Therefore, it has been classified as a Variant of Uncertain Significance.

NM_001008537.3(NEXMIF):c.1550A>T (p.Glu517Val)

Gene: NEXMIF (neurite extension and migration factor; minus strand). Cytogenetic location: Xq13.3.
Variant type: single nucleotide variant.
Coding change: c.1550A>T on transcript NM_001008537.3 (MANE Select); coding-DNA position 1550, A replaced by T.
Protein change: p.Glu517Val; replaces glutamic acid 517 with valine.
Molecular consequence: missense variant.
Genome position (GRCh38, 1-based): chrX:74,743,007, T>A on the plus strand (A>T on the coding strand, the complement: NEXMIF is on the minus strand). VCF-style: chrX-74743007-T-A. GRCh37 (hg19) VCF-style: chrX-73962842-T-A.
Other names: short protein forms E517V.
Identifiers: ClinVar variation 3620401 (VCV003620401.2).